The following is an entry in ClinVar:

ClinVar aggregate classification (germline): Pathogenic (1 of 4 stars; one submission).

Submission:

Labcorp Genetics (formerly Invitae), Labcorp
Classification: Pathogenic. Last evaluated: 2024-06-11. Review status: criteria provided, single submitter. Criteria: Invitae Variant Classification Sherloc (09022015). Collection method: clinical testing. Allele origin: germline.
Comment: This sequence change creates a premature translational stop signal (p.Asp78Argfs*17) in the LZTR1 gene. It is expected to result in an absent or disrupted protein product. Loss-of-function variants in LZTR1 are known to be pathogenic (PMID: 24362817, 25335493, 25480913, 25795793, 29469822, 30368668, 30442762, 30442766, 30481304, 30859559). This variant is not present in population databases (gnomAD no frequency). This variant has not been reported in the literature in individuals affected with LZTR1-related conditions. For these reasons, this variant has been classified as Pathogenic.

Literature cited by the submitters: PubMed 24362817; PubMed 25335493; PubMed 25480913; PubMed 25795793; PubMed 29469822; PubMed 30368668; PubMed 30442762; PubMed 30442766; PubMed 30481304; PubMed 30859559.

NM_006767.4(LZTR1):c.231dup (p.Asp78fs)

Gene: LZTR1 (leucine zipper like post translational regulator 1; plus strand). Cytogenetic location: 22q11.21.
Variant type: Duplication.
Coding change: c.231dup on transcript NM_006767.4 (MANE Select); coding-DNA position 231, one base duplicated (A; older notation c.231dupA).
Protein change: p.Asp78fs; shifts the reading frame from aspartic acid 78.
Molecular consequence: frameshift variant.
Genome position (GRCh38, 1-based): chr22:20,983,057, A duplicated; the last of 3 consecutive A bases (chr22:20,983,055-20,983,057); duplicating any one gives the same sequence. VCF-style (leftmost placement, unchanged base first): chr22-20983054-T-TA. GRCh37 (hg19) VCF-style: chr22-21337343-T-TA.
Other names: short protein forms D78fs.
Identifiers: ClinVar variation 3702104 (VCV003702104.2).